The following is an entry in ClinVar:

ClinVar aggregate classification (germline): Uncertain significance (1 of 4 stars; one submission).

Submission:

Labcorp Genetics (formerly Invitae), Labcorp
Classification: Uncertain significance. Last evaluated: 2024-01-25. Review status: criteria provided, single submitter. Criteria: Invitae Variant Classification Sherloc (09022015). Collection method: clinical testing. Allele origin: germline.
Comment: This sequence change replaces serine, which is neutral and polar, with isoleucine, which is neutral and non-polar, at codon 157 of the ARID1A protein (p.Ser157Ile). This variant is not present in population databases (gnomAD no frequency). This variant has not been reported in the literature in individuals affected with ARID1A-related conditions. Advanced modeling of protein sequence and biophysical properties (such as structural, functional, and spatial information, amino acid conservation, physicochemical variation, residue mobility, and thermodynamic stability) performed at Invitae indicates that this missense variant is not expected to disrupt ARID1A protein function with a negative predictive value of 95%. In summary, the available evidence is currently insufficient to determine the role of this variant in disease. Therefore, it has been classified as a Variant of Uncertain Significance.

NM_006015.6(ARID1A):c.470G>T (p.Ser157Ile)

Gene: ARID1A (AT-rich interaction domain 1A; plus strand). Cytogenetic location: 1p36.11.
Variant type: single nucleotide variant.
Coding change: c.470G>T on transcript NM_006015.6 (MANE Select); coding-DNA position 470, G replaced by T.
Protein change: p.Ser157Ile; replaces serine 157 with isoleucine.
Molecular consequence: missense variant.
Genome position (GRCh38, 1-based): chr1:26,696,873, G>T. VCF-style: chr1-26696873-G-T. GRCh37 (hg19) VCF-style: chr1-27023364-G-T.
Other names: c.470G>T, p.Ser157Ile (NM_139135.4); short protein forms S157I.
Identifiers: ClinVar variation 3665135 (VCV003665135.2).